The following is an entry in ClinVar:

ClinVar aggregate classification (germline): Uncertain significance (1 of 4 stars; one submission).

Conditions:
Neuropathy, hereditary sensory and autonomic, type 2A (HSAN2A). Also called: MORVAN DISEASE; NEUROPATHY, CONGENITAL SENSORY; NEUROPATHY, HEREDITARY SENSORY RADICULAR, AUTOSOMAL RECESSIVE; NEUROPATHY, HEREDITARY SENSORY, TYPE IIA; NEUROPATHY, PROGRESSIVE SENSORY, OF CHILDREN; ACROOSTEOLYSIS, GIACCAI TYPE. Identifiers: Orphanet 970, MedGen C2752089, MONDO:0024309, OMIM 201300.
Generalized epilepsy with febrile seizures plus, type 7 (GEFSP7). Also called: GEFS+, TYPE 7. Identifiers: Orphanet 36387, MedGen C2751778, MONDO:0013470, OMIM 613863.

gnomAD v4.1: 8 of 1,613,182 alleles (0.0005%); highest among the groups gnomAD compares: East Asian, 0.0022%; no homozygotes.

Submission:

Labcorp Genetics (formerly Invitae), Labcorp
Classification: Uncertain significance for Neuropathy, hereditary sensory and autonomic, type 2A; Generalized epilepsy with febrile seizures plus, type 7. Last evaluated: 2024-02-26. Review status: criteria provided, single submitter. Criteria: Invitae Variant Classification Sherloc (09022015). Collection method: clinical testing. Allele origin: germline.
Comment: This sequence change replaces glycine, which is neutral and non-polar, with aspartic acid, which is acidic and polar, at codon 56 of the SCN9A protein (p.Gly56Asp). This variant is present in population databases (rs767568953, gnomAD 0.006%). This variant has not been reported in the literature in individuals affected with SCN9A-related conditions. Advanced modeling of protein sequence and biophysical properties (such as structural, functional, and spatial information, amino acid conservation, physicochemical variation, residue mobility, and thermodynamic stability) performed at Invitae indicates that this missense variant is not expected to disrupt SCN9A protein function with a negative predictive value of 95%. In summary, the available evidence is currently insufficient to determine the role of this variant in disease. Therefore, it has been classified as a Variant of Uncertain Significance.

NM_001365536.1(SCN9A):c.167G>A (p.Gly56Asp)

Gene: SCN9A (sodium voltage-gated channel alpha subunit 9; minus strand). Cytogenetic location: 2q24.3.
Variant type: single nucleotide variant.
Coding change: c.167G>A on transcript NM_001365536.1 (MANE Select); coding-DNA position 167, G replaced by A.
Protein change: p.Gly56Asp; replaces glycine 56 with aspartic acid.
Molecular consequence: missense variant.
Genome position (GRCh38, 1-based): chr2:166,311,590, C>T on the plus strand (G>A on the coding strand, the complement: SCN9A is on the minus strand). VCF-style: chr2-166311590-C-T. GRCh37 (hg19) VCF-style: chr2-167168100-C-T.
Other names: c.167G>A, p.Gly56Asp (NM_002977.4); short protein forms G56D.
Identifiers: ClinVar variation 3750903 (VCV003750903.2).